The following is an entry in ClinVar:

ClinVar aggregate classification (germline): Uncertain significance (1 of 4 stars; one submission).

Conditions:
Amyotrophic lateral sclerosis type 1 (ALS1). Also called: AMYOTROPHIC LATERAL SCLEROSIS 1, FAMILIAL. Identifiers: Orphanet 803, MedGen C1862939, MONDO:0007103, OMIM 105400.
Neuronopathy, distal hereditary motor, type 7B. Also called: HMN VIIB; LOWER MOTOR NEURON DISEASE, DYNACTIN TYPE; NEURONOPATHY, DISTAL HEREDITARY MOTOR, AUTOSOMAL DOMINANT 14; NEURONOPATHY, DISTAL HEREDITARY MOTOR, HARDING TYPE VIIB; NEUROPATHY, DISTAL HEREDITARY MOTOR, HARDING TYPE VIIB; NEUROPATHY, DISTAL HEREDITARY MOTOR, WITH VOCAL CORD PARALYSIS, HARDING TYPE VIIB. Identifiers: Orphanet 139589, MedGen C1843315, MONDO:0011879, OMIM 607641.
Perry syndrome. Also called: PARKINSONISM WITH ALVEOLAR HYPOVENTILATION AND MENTAL DEPRESSION. Identifiers: Orphanet 178509, MedGen C1868594, MONDO:0008201, OMIM 168605.

gnomAD v4.1: 3 of 1,614,244 alleles (0.00019%); highest among the groups gnomAD compares: South Asian, 0.0011%; no homozygotes.

Submission:

Labcorp Genetics (formerly Invitae), Labcorp
Classification: Uncertain significance for Amyotrophic lateral sclerosis type 1; Neuronopathy, distal hereditary motor, type 7B; Perry syndrome. Last evaluated: 2026-01-22. Review status: criteria provided, single submitter. Criteria: Invitae Variant Classification Sherloc (09022015). Collection method: clinical testing. Allele origin: germline.
Comment: This sequence change replaces arginine, which is basic and polar, with histidine, which is basic and polar, at codon 292 of the DCTN1 protein (p.Arg292His). This variant is present in population databases (rs552814664, gnomAD 0.003%). This missense change has been observed in individual(s) with clinical features of amyotrophic lateral sclerosis (PMID: 35964197). Invitae Evidence Modeling of protein sequence and biophysical properties (such as structural, functional, and spatial information, amino acid conservation, physicochemical variation, residue mobility, and thermodynamic stability) indicates that this missense variant is not expected to disrupt DCTN1 protein function with a negative predictive value of 95%. In summary, the available evidence is currently insufficient to determine the role of this variant in disease. Therefore, it has been classified as a Variant of Uncertain Significance.

Literature cited by the submitters: PubMed 35964197.

NM_004082.5(DCTN1):c.875G>A (p.Arg292His)

Gene: DCTN1 (dynactin subunit 1; minus strand). Cytogenetic location: 2p13.1.
Variant type: single nucleotide variant.
Coding change: c.875G>A on transcript NM_004082.5 (MANE Select); coding-DNA position 875, G replaced by A.
Protein change: p.Arg292His; replaces arginine 292 with histidine.
Molecular consequence: missense variant. On other transcripts: non-coding transcript variant (1).
Genome position (GRCh38, 1-based): chr2:74,370,794, C>T on the plus strand (G>A on the coding strand, the complement: DCTN1 is on the minus strand). VCF-style: chr2-74370794-C-T. GRCh37 (hg19) VCF-style: chr2-74597921-C-T.
Other names: c.815G>A, p.Arg272His (NM_001135040.3); c.473G>A, p.Arg158His (NM_001135041.3, NM_023019.4); c.764G>A, p.Arg255His (NM_001190836.2); c.854G>A, p.Arg285His (NM_001190837.2); c.824G>A, p.Arg275His (NM_001378991.1); c.806G>A, p.Arg269His (NM_001378992.1); short protein forms R272H, R275H, R285H, R158H, R292H, R255H, R269H.
Identifiers: ClinVar variation 4791612 (VCV004791612.1).
Genomic context (GRCh38, chr2:74,370,794, plus strand): 5'-TCCTTGTCCAAAGTGGCCATCTCAATGGCATCAGCAGTATCAGCCATCTCCTCCATATAG[C>T]GTTCCTTTGCCTCCAGCGCCTCCTTGGCTTCCTGAGGAAGAAGTGGAGGTGGGAGGGGGT-3'
Protein context (NP_004073.2, residues 282-302): EAKEALEAKE[Arg292His]YMEEMADTAD